The following is an entry in ClinVar:

ClinVar aggregate classification (germline): Pathogenic (1 of 4 stars; one submission).

Conditions:
Osteopetrosis with renal tubular acidosis (OPTB3). Also called: Autosomal recessive osteopetrosis 3. Identifiers: Orphanet 2785, MedGen C0345407, MONDO:0009818, OMIM 259730.

Submission:

3billion
Classification: Pathogenic for Osteopetrosis with renal tubular acidosis. Last evaluated: 2025-07-21. Review status: criteria provided, single submitter. Criteria: ACMG Guidelines, 2015. Collection method: clinical testing. Allele origin: germline. Affected: yes.
Comment: The variant is observed at an extremely low frequency in the gnomAD v4.1.0 dataset (total allele frequency: <0.001%). Predicted Consequence/Location: Stop-gained (nonsense): predicted to result in a loss or disruption of normal protein function through nonsense-mediated decay (NMD) or protein truncation. Multiple pathogenic variants are reported downstream of the variant. The variant has been reported to be associated with CA2-related disorder (PMID: 25720518 /3billion dataset). Therefore, this variant is classified as Pathogenic according to the recommendation of ACMG/AMP guideline.

Literature cited by the submitters: PubMed 25720518.

NM_000067.3(CA2):c.381T>G (p.Tyr127Ter)

Gene: CA2 (carbonic anhydrase 2; plus strand). Cytogenetic location: 8q21.2.
Variant type: single nucleotide variant.
Coding change: c.381T>G on transcript NM_000067.3 (MANE Select); coding-DNA position 381, T replaced by G.
Protein change: p.Tyr127Ter; replaces tyrosine 127 with a stop codon.
Molecular consequence: nonsense.
Genome position (GRCh38, 1-based): chr8:85,474,353, T>G. VCF-style: chr8-85474353-T-G. GRCh37 (hg19) VCF-style: chr8-86386582-T-G.
Other names: c.78T>G, p.Tyr26Ter (NM_001293675.2); short protein forms Y127*, Y26*.
Identifiers: ClinVar variation 4292335 (VCV004292335.2).